The following is an entry in ClinVar:

ClinVar aggregate classification (germline): Likely pathogenic (1 of 4 stars; one submission).

Conditions:
Primary ciliary dyskinesia 5. Also called: CILIARY DYSKINESIA, PRIMARY, 5, WITHOUT SITUS INVERSUS. Identifiers: Orphanet 244, MedGen C1837615, MONDO:0012088, OMIM 608647.

Submission:

Royal Brompton Clinical Genetics And Genomics Laboratory, NHS South East Genomic Laboratory Hub
Classification: Likely pathogenic for Primary ciliary dyskinesia 5. Last evaluated: 2024-03-06. Review status: criteria provided, single submitter. Criteria: RBHT-CGGL ClinVar Assertion Criteria. Collection method: clinical testing. Allele origin: germline. Affected: yes. Observed: 1 variant allele.
Comment: 2 siblings Compound heterozygous with pathogenic NM_001270974.2:c.1529del

NM_001270974.2(HYDIN):c.8487_8489delinsCA (p.Pro2830fs)

Gene: HYDIN (HYDIN axonemal central pair apparatus protein; minus strand). Cytogenetic location: 16q22.2.
Variant type: Indel.
Coding change: c.8487_8489delinsCA on transcript NM_001270974.2 (MANE Select); coding-DNA positions 8487 to 8489, GCC replaced by CA.
Protein change: p.Pro2830fs; shifts the reading frame from proline 2830.
Molecular consequence: frameshift variant.
Genome position (GRCh38, 1-based): chr16:70,907,399-70,907,401, GGC replaced by TG on the plus strand (GCC replaced by CA on the coding strand, the reverse complement: HYDIN is on the minus strand). VCF-style: chr16-70907399-GGC-TG. GRCh37 (hg19) VCF-style: chr16-70941302-GGC-TG.
Other names: short protein forms P2830fs.
Identifiers: ClinVar variation 3027481 (VCV003027481.1), dbSNP rs2507014327, ClinGen allele CA2740093415.